The following is an entry in ClinVar:

NM_013432.5(TONSL):c.1127del (p.Glu376fs)

Gene: TONSL (tonsoku like, DNA repair protein; minus strand). Cytogenetic location: 8q24.3.
Variant type: Deletion.
Coding change: c.1127del on transcript NM_013432.5 (MANE Select); coding-DNA position 1127, one base deleted (A; older notation c.1127delA).
Protein change: p.Glu376fs; shifts the reading frame from glutamic acid 376.
Molecular consequence: frameshift variant.
Genome position (GRCh38, 1-based): chr8:144,440,755, T deleted on the plus strand (A on the coding strand, the reverse complement: TONSL is on the minus strand). VCF-style (leftmost placement, unchanged base first): chr8-144440754-CT-C. GRCh37 (hg19) VCF-style: chr8-145666137-CT-C.
Other names: short protein forms E376fs.
Identifiers: ClinVar variation 3460082 (VCV003460082.1).

ClinVar aggregate classification (germline): Pathogenic (1 of 4 stars; one submission).

Conditions:
Inborn genetic diseases. Identifiers: MedGen C0950123, MeSH D030342.

Submission:

Ambry Genetics
Classification: Pathogenic for Inborn genetic diseases. Last evaluated: 2024-08-30. Review status: criteria provided, single submitter. Criteria: Ambry Variant Classification Scheme 2023. Collection method: clinical testing. Allele origin: germline.
Comment: The c.1127delA (p.E376Gfs*4) alteration, located in exon 9 (coding exon 9) of the TONSL gene, consists of a deletion of one nucleotide at position 1127, causing a translational frameshift with a predicted alternate stop codon after 4 amino acids. This alteration is expected to result in loss of function by premature protein truncation or nonsense-mediated mRNA decay. This variant was not reported in population-based cohorts in the Genome Aggregation Database (gnomAD). Based on the available evidence, this alteration is classified as pathogenic.